The following is an entry in ClinVar:

NM_033028.5(BBS4):c.24+1G>T

Gene: BBS4 (Bardet-Biedl syndrome 4; plus strand). Cytogenetic location: 15q24.1.
Variant type: single nucleotide variant.
Coding change: c.24+1G>T on transcript NM_033028.5 (MANE Select); the canonical splice donor site of the intron after coding-DNA position 24, G replaced by T.
Molecular consequence: splice donor variant. On other transcripts: non-coding transcript variant (1).
Genome position (GRCh38, 1-based): chr15:72,686,252, G>T. VCF-style: chr15-72686252-G-T. GRCh37 (hg19) VCF-style: chr15-72978593-G-T.
Other names: c.24+1G>T (NM_001320665.2); c.-446+1G>T (NM_001252678.2).
Identifiers: ClinVar variation 1067554 (VCV001067554.11), dbSNP rs759520211, ClinGen allele CA393075081.

ClinVar aggregate classification (germline): Likely pathogenic. Review status: criteria provided, multiple submitters, no conflicts (2 of 4 stars). 3 submissions from 3 submitters: Likely pathogenic (3). Last evaluated 2024-12-15.

Conditions:
Bardet-Biedl syndrome 4 (BBS4). Identifiers: Orphanet 110, MedGen C2936864, MONDO:0014433, OMIM 615982.
BBS4-related disorder. Also called: BBS4-related condition.
Bardet-Biedl syndrome (BBS). Identifiers: Orphanet 110, MedGen C0752166, MONDO:0015229.

gnomAD v4.1: 17 of 1,565,592 alleles (0.0011%); highest among the groups gnomAD compares: Non-Finnish European, 0.0015%; no homozygotes.

Submissions (4):

Labcorp Genetics (formerly Invitae), Labcorp
Classification: Likely pathogenic for Bardet-Biedl syndrome. Last evaluated: 2024-12-15. Review status: criteria provided, single submitter. Criteria: Invitae Variant Classification Sherloc (09022015). Collection method: clinical testing. Allele origin: germline.
Comment: This sequence change affects a donor splice site in intron 1 of the BBS4 gene. It is expected to disrupt RNA splicing. Variants that disrupt the donor or acceptor splice site typically lead to a loss of protein function (PMID: 16199547), and loss-of-function variants in BBS4 are known to be pathogenic (PMID: 11381270, 12016587, 20177705, 27894351). This variant is not present in population databases (gnomAD no frequency). This variant has not been reported in the literature in individuals affected with BBS4-related conditions. ClinVar contains an entry for this variant (Variation ID: 1067554). Algorithms developed to predict the effect of sequence changes on RNA splicing suggest that this variant may disrupt the consensus splice site. In summary, the currently available evidence indicates that the variant is pathogenic, but additional data are needed to prove that conclusively. Therefore, this variant has been classified as Likely Pathogenic.

Blueprint Genetics
Classification: Likely pathogenic for BBS4-related disorders. Last evaluated: 2024-05-10. Review status: criteria provided, single submitter. Criteria: ACMG Guidelines, 2015. Collection method: clinical testing. Allele origin: germline. Affected: yes. Observed: 4 variant alleles.

Fulgent Genetics
Classification: Likely pathogenic for Bardet-Biedl syndrome 4. Last evaluated: 2021-08-18. Review status: criteria provided, single submitter. Criteria: ACMG Guidelines, 2015. Collection method: clinical testing. Allele origin: unknown.

Dr. Peter K. Rogan Lab, Western University
No classification provided (evidence only). Condition: Thyroid cancer, nonmedullary, 1. Review status: no classification provided. Collection method: in vitro. Allele origin: not applicable. Functional consequence: retained intron. Not counted in ClinVar's aggregate classification.

Literature cited by the submitters: PubMed 16199547 (cited by Labcorp Genetics (formerly Invitae), Labcorp); PubMed 11381270 (cited by Labcorp Genetics (formerly Invitae), Labcorp); PubMed 12016587 (cited by Labcorp Genetics (formerly Invitae), Labcorp); PubMed 20177705 (cited by Labcorp Genetics (formerly Invitae), Labcorp); PubMed 27894351 (cited by Labcorp Genetics (formerly Invitae), Labcorp).